The following is an entry in ClinVar:

ClinVar aggregate classification (germline): Uncertain significance (1 of 4 stars; one submission).

Conditions:
Generalized epilepsy-paroxysmal dyskinesia syndrome (PNKD3). Also called: Generalized epilepsy and paroxysmal dyskinesia; Paroxysmal nonkinesigenic dyskinesia, 3, with or without generalized epilepsy. Identifiers: Orphanet 79137, MedGen C5574945, MONDO:0012276, OMIM 609446.

Allele frequency attached by ClinVar (database versions not stated): ExAC 0.00001; gnomAD 0.00001; gnomAD exomes 0.00001; TOPMed 0.00001; ESP Exome Variant Server 0.00008.
gnomAD v4.1: 7 of 1,613,968 alleles (0.00043%); highest among the groups gnomAD compares: South Asian, 0.0044%; no homozygotes.

Submission:

Labcorp Genetics (formerly Invitae), Labcorp
Classification: Uncertain significance for Generalized epilepsy-paroxysmal dyskinesia syndrome. Last evaluated: 2023-09-21. Review status: criteria provided, single submitter. Criteria: Invitae Variant Classification Sherloc (09022015). Collection method: clinical testing. Allele origin: germline.
Comment: In summary, the available evidence is currently insufficient to determine the role of this variant in disease. Therefore, it has been classified as a Variant of Uncertain Significance. An algorithm developed to predict the effect of missense changes on protein structure and function (PolyPhen-2) suggests that this variant is likely to be disruptive. This sequence change replaces arginine, which is basic and polar, with tryptophan, which is neutral and slightly polar, at codon 1177 of the KCNMA1 protein (p.Arg1177Trp). This variant is present in population databases (rs139370249, gnomAD 0.003%). This missense change has been observed in individual(s) with clinical features of KCNMA1-related conditions (PMID: 29738522, 29933521). ClinVar contains an entry for this variant (Variation ID: 1392675).

Literature cited by the submitters: PubMed 29738522; PubMed 29933521.

NM_001161352.2(KCNMA1):c.3703C>T (p.Arg1235Trp)

Gene: KCNMA1 (potassium calcium-activated channel subfamily M alpha 1; minus strand). Cytogenetic location: 10q22.3.
Variant type: single nucleotide variant.
Coding change: c.3703C>T on transcript NM_001161352.2 (MANE Select); coding-DNA position 3703, C replaced by T.
Protein change: p.Arg1235Trp; replaces arginine 1235 with tryptophan.
Molecular consequence: missense variant. On other transcripts: intron variant (7).
Genome position (GRCh38, 1-based): chr10:76,887,274, G>A on the plus strand (C>T on the coding strand, the complement: KCNMA1 is on the minus strand). VCF-style: chr10-76887274-G-A. GRCh37 (hg19) VCF-style: chr10-78647032-G-A.
Other names: c.3652C>T, p.Arg1218Trp (NM_001161353.2); c.3619C>T, p.Arg1207Trp (NM_001271519.2); c.3538C>T, p.Arg1180Trp (NM_001322836.2); c.3622C>T, p.Arg1208Trp (NM_001322837.2); c.3529C>T, p.Arg1177Trp (NM_002247.4); c.3362+17C>T (NM_001271518.2); c.3512+17C>T (NM_001322832.2); c.3521+17C>T (NM_001322829.2); and 4 more; short protein forms R1218W, R1180W, R1208W, R1235W, R1207W, R1177W.
Identifiers: ClinVar variation 1392675 (VCV001392675.6), dbSNP rs139370249, ClinGen allele CA5567785.